The following is an entry in ClinVar:

NM_002470.4(MYH3):c.3336G>T (p.Leu1112Phe)

Gene: MYH3 (myosin heavy chain 3; minus strand). Cytogenetic location: 17p13.1.
Variant type: single nucleotide variant.
Coding change: c.3336G>T on transcript NM_002470.4 (MANE Select); coding-DNA position 3336, G replaced by T.
Protein change: p.Leu1112Phe; replaces leucine 1112 with phenylalanine.
Molecular consequence: missense variant.
Genome position (GRCh38, 1-based): chr17:10,638,876, C>A on the plus strand (G>T on the coding strand, the complement: MYH3 is on the minus strand). VCF-style: chr17-10638876-C-A. GRCh37 (hg19) VCF-style: chr17-10542193-C-A.
Other names: short protein forms L1112F.
Identifiers: ClinVar variation 1718313 (VCV001718313.5), dbSNP rs2508595726, ClinGen allele CA398153051.

ClinVar aggregate classification (germline): Uncertain significance (1 of 4 stars; one submission).

Submission:

Labcorp Genetics (formerly Invitae), Labcorp
Classification: Uncertain significance. Last evaluated: 2023-08-24. Review status: criteria provided, single submitter. Criteria: Invitae Variant Classification Sherloc (09022015). Collection method: clinical testing. Allele origin: germline.
Comment: This sequence change replaces leucine, which is neutral and non-polar, with phenylalanine, which is neutral and non-polar, at codon 1112 of the MYH3 protein (p.Leu1112Phe). This variant is not present in population databases (gnomAD no frequency). This variant has not been reported in the literature in individuals affected with MYH3-related conditions. ClinVar contains an entry for this variant (Variation ID: 1718313). Advanced modeling of protein sequence and biophysical properties (such as structural, functional, and spatial information, amino acid conservation, physicochemical variation, residue mobility, and thermodynamic stability) performed at Invitae indicates that this missense variant is not expected to disrupt MYH3 protein function. In summary, the available evidence is currently insufficient to determine the role of this variant in disease. Therefore, it has been classified as a Variant of Uncertain Significance.